The following is an entry in ClinVar:

ClinVar aggregate classification (germline): Uncertain significance (1 of 4 stars; one submission).

Conditions:
Fanconi anemia complementation group E (FANCE). Also called: FANCE-Related Fanconi Anemia. Identifiers: Orphanet 84, MedGen C3160739, MONDO:0010953, OMIM 600901.

Allele frequency attached by ClinVar (database versions not stated): gnomAD exomes below 0.00001 and 0.00001.

Submission:

Labcorp Genetics (formerly Invitae), Labcorp
Classification: Uncertain significance for Fanconi anemia complementation group E. Last evaluated: 2024-03-06. Review status: criteria provided, single submitter. Criteria: Invitae Variant Classification Sherloc (09022015). Collection method: clinical testing. Allele origin: germline.
Comment: This sequence change replaces threonine, which is neutral and polar, with isoleucine, which is neutral and non-polar, at codon 507 of the FANCE protein (p.Thr507Ile). This variant is present in population databases (no rsID available, gnomAD 0.002%). This variant has not been reported in the literature in individuals affected with FANCE-related conditions. ClinVar contains an entry for this variant (Variation ID: 539294). Advanced modeling of protein sequence and biophysical properties (such as structural, functional, and spatial information, amino acid conservation, physicochemical variation, residue mobility, and thermodynamic stability) performed at Invitae indicates that this missense variant is not expected to disrupt FANCE protein function with a negative predictive value of 80%. In summary, the available evidence is currently insufficient to determine the role of this variant in disease. Therefore, it has been classified as a Variant of Uncertain Significance.

NM_021922.3(FANCE):c.1520C>T (p.Thr507Ile)

Gene: FANCE (FA complementation group E; plus strand). Cytogenetic location: 6p21.31.
Variant type: single nucleotide variant.
Coding change: c.1520C>T on transcript NM_021922.3 (MANE Select); coding-DNA position 1520, C replaced by T.
Protein change: p.Thr507Ile; replaces threonine 507 with isoleucine.
Molecular consequence: missense variant.
Genome position (GRCh38, 1-based): chr6:35,466,254, C>T. VCF-style: chr6-35466254-C-T. GRCh37 (hg19) VCF-style: chr6-35434031-C-T.
Other names: short protein forms T507I.
Identifiers: ClinVar variation 539294 (VCV000539294.8), dbSNP rs1413425638, ClinGen allele CA363778482.